The following is an entry in ClinVar:

NM_000210.4(ITGA6):c.201G>A (p.Pro67=)

Genes: ITGA6 (integrin subunit alpha 6; plus strand), ITGA6-AS1 (ITGA6 and PDK1 antisense RNA 1; minus strand), PDK1-AS1 (PDK1 and ITGA6 antisense RNA 1; minus strand). Cytogenetic location: 2q31.1.
Variant type: single nucleotide variant.
Coding change: c.201G>A on transcript NM_000210.4 (MANE Select); coding-DNA position 201, G replaced by A.
Protein change: p.Pro67=; no amino-acid change (proline 67 retained).
Molecular consequence: synonymous variant. On other transcripts: 5 prime UTR variant (1).
Genome position (GRCh38, 1-based): chr2:172,465,557, G>A. VCF-style: chr2-172465557-G-A. GRCh37 (hg19) VCF-style: chr2-173330285-G-A.
Other names: c.201G>A, p.Pro67= (NM_001079818.3, NM_001365529.2, NM_001365530.2); c.-142G>A (NM_001316306.2).
Identifiers: ClinVar variation 745028 (VCV000745028.11), dbSNP rs143545213, ClinGen allele CA1967755.

ClinVar aggregate classification (germline): Likely benign. Review status: criteria provided, multiple submitters, no conflicts (2 of 4 stars). 4 submissions from 4 submitters: Likely benign (3). 1 of the submissions does not count toward it. Last evaluated 2025-06-12.

Conditions:
Epidermolysis bullosa, junctional 6, with pyloric atresia. Also called: ITGA6-Related Epidermolysis Bullosa with Pyloric Atresia. Identifiers: MedGen C5676957, MONDO:0859233, OMIM 619817.
ITGA6-related disorder. Also called: ITGA6-related condition.

Allele frequency attached by ClinVar (database versions not stated): gnomAD exomes 0.00004 and 0.00010; ExAC 0.00014; gnomAD 0.00034 and 0.00033; TOPMed 0.00034; ESP Exome Variant Server 0.00038; 1000 Genomes Project 0.00040; 1000 Genomes Project 30x 0.00031.
gnomAD v4.1: 115 of 1,614,192 alleles (0.0071%); highest among the groups gnomAD compares: African/African-American, 0.099%; no homozygotes.

Submissions (4):

Labcorp Genetics (formerly Invitae), Labcorp
Classification: Likely benign. Last evaluated: 2025-06-12. Review status: criteria provided, single submitter. Criteria: Invitae Variant Classification Sherloc (09022015). Collection method: clinical testing. Allele origin: germline.

Fulgent Genetics
Classification: Likely benign for Epidermolysis bullosa, junctional 6, with pyloric atresia. Last evaluated: 2021-11-27. Review status: criteria provided, single submitter. Criteria: ACMG Guidelines, 2015. Collection method: clinical testing. Allele origin: unknown.

Breakthrough Genomics
Classification: Likely benign. Review status: criteria provided, single submitter. Criteria: ACMG Guidelines, 2015. Collection method: not provided. Allele origin: germline. Inheritance: Autosomal recessive inheritance. Affected: yes.

PreventionGenetics, part of Exact Sciences
Classification: Likely benign for ITGA6-related condition. Last evaluated: 2019-03-18. Review status: no assertion criteria provided. Collection method: clinical testing. Allele origin: germline. Not counted in ClinVar's aggregate classification.
Comment: This variant is classified as likely benign based on ACMG/AMP sequence variant interpretation guidelines (Richards et al. 2015 PMID: 25741868, with internal and published modifications).